The following is an entry in ClinVar:

NC_000005.9:g.(?_147443608)_(147484583_?)del

Gene: SPINK5 (serine peptidase inhibitor Kazal type 5; plus strand). Cytogenetic location: 5q32.
Variant type: Deletion.
Identifiers: ClinVar variation 2425648 (VCV002425648.4).

ClinVar aggregate classification (germline): Pathogenic (1 of 4 stars; one submission).

Conditions:
Netherton syndrome (NETH). Also called: NETHERTON DISEASE; ERYTHRODERMA, ICHTHYOSIFORM, WITH HYPOTRICHOSIS AND HYPER-IgE; COMEL-NETHERTON SYNDROME. Identifiers: Orphanet 634, MedGen C5574950, MONDO:0009735, OMIM 256500.

Submission:

Labcorp Genetics (formerly Invitae), Labcorp
Classification: Pathogenic for Ichthyosis linearis circumflexa. Last evaluated: 2021-06-23. Review status: criteria provided, single submitter. Criteria: Invitae Variant Classification Sherloc (09022015). Collection method: clinical testing. Allele origin: germline.
Comment: This variant is a gross deletion of the genomic region encompassing exons 1-16 of the SPINK5 gene, which includes the initiator codon. The 5' end of this event is unknown as it extends beyond the assayed region for this gene and therefore may encompass additional genes. The 3' boundary is likely confined to intron 16 of the SPINK5 gene. This is expected to result in an absent or disrupted protein product. This variant has not been reported in the literature in individuals with SPINK5-related conditions. Loss-of-function variants in SPINK5 are known to be pathogenic (PMID: 11511292, 11841556). For these reasons, this variant has been classified as Pathogenic.

Literature cited by the submitters: PubMed 11511292; PubMed 11841556.